The following is an entry in ClinVar:

ClinVar aggregate classification (germline): Uncertain significance. Review status: criteria provided, multiple submitters, no conflicts (2 of 4 stars). 2 submissions from 2 submitters: Uncertain significance (2). Last evaluated 2023-02-15.

Allele frequency attached by ClinVar (database versions not stated): gnomAD exomes below 0.00001.
gnomAD v4.1: 1 of 1,609,636 alleles (0.000062%); highest among the groups gnomAD compares: Non-Finnish European, 0.000085%; no homozygotes.

Submissions (2):

GeneDx
Classification: Uncertain significance. Last evaluated: 2023-02-15. Review status: criteria provided, single submitter. Criteria: GeneDx Variant Classification Process June 2021. Collection method: clinical testing. Allele origin: germline. Affected: yes.
Comment: Not observed at significant frequency in large population cohorts (gnomAD); In silico analysis supports that this missense variant does not alter protein structure/function; Has not been previously published as pathogenic or benign to our knowledge

Labcorp Genetics (formerly Invitae), Labcorp
Classification: Uncertain significance. Last evaluated: 2022-07-26. Review status: criteria provided, single submitter. Criteria: Invitae Variant Classification Sherloc (09022015). Collection method: clinical testing. Allele origin: germline.
Comment: ClinVar contains an entry for this variant (Variation ID: 1054073). This sequence change replaces proline, which is neutral and non-polar, with serine, which is neutral and polar, at codon 11 of the PITPNM3 protein (p.Pro11Ser). This variant is not present in population databases (gnomAD no frequency). This variant has not been reported in the literature in individuals affected with PITPNM3-related conditions. Algorithms developed to predict the effect of missense changes on protein structure and function output the following: SIFT: "Tolerated"; PolyPhen-2: "Not Available"; Align-GVGD: "Class C0". The serine amino acid residue is found in multiple mammalian species, which suggests that this missense change does not adversely affect protein function. In summary, the available evidence is currently insufficient to determine the role of this variant in disease. Therefore, it has been classified as a Variant of Uncertain Significance.

NM_031220.4(PITPNM3):c.31C>T (p.Pro11Ser)

Gene: PITPNM3 (PITPNM family member 3; minus strand). Cytogenetic location: 17p13.1.
Variant type: single nucleotide variant.
Coding change: c.31C>T on transcript NM_031220.4 (MANE Select); coding-DNA position 31, C replaced by T.
Protein change: p.Pro11Ser; replaces proline 11 with serine.
Molecular consequence: missense variant.
Genome position (GRCh38, 1-based): chr17:6,538,074, G>A on the plus strand (C>T on the coding strand, the complement: PITPNM3 is on the minus strand). VCF-style: chr17-6538074-G-A. GRCh37 (hg19) VCF-style: chr17-6441394-G-A.
Other names: c.31C>T, p.Pro11Ser (NM_001165966.2); c.31C>T (NM_031220.3); short protein forms P11S.
Identifiers: ClinVar variation 1054073 (VCV001054073.11), dbSNP rs1567693900, ClinGen allele CA397403029.